The following is an entry in ClinVar:

ClinVar aggregate classification (germline): Likely benign. Review status: criteria provided, multiple submitters, no conflicts (2 of 4 stars). 2 submissions from 2 submitters: Likely benign (2). Last evaluated 2024-10-01.

Submissions (2):

CeGaT Center for Human Genetics Tuebingen
Classification: Likely benign. Last evaluated: 2024-10-01. Review status: criteria provided, single submitter. Criteria: CeGaT Center For Human Genetics Tuebingen Variant Classification Criteria Version 2. Collection method: clinical testing. Allele origin: germline. Affected: yes. Observed: 1 variant allele.
Comment: CENPF: PM2:Supporting, BP4, BP7

Blueprint Genetics
Classification: Likely benign. Last evaluated: 2021-06-11. Review status: criteria provided, single submitter. Criteria: ACMG Guidelines, 2015. Collection method: clinical testing. Allele origin: germline.

NM_016343.4(CENPF):c.8299T>C (p.Leu2767=)

Gene: CENPF (centromere protein F; plus strand). Cytogenetic location: 1q41.
Variant type: single nucleotide variant.
Coding change: c.8299T>C on transcript NM_016343.4 (MANE Select); coding-DNA position 8299, T replaced by C.
Protein change: p.Leu2767=; no amino-acid change (leucine 2767 retained).
Molecular consequence: synonymous variant.
Genome position (GRCh38, 1-based): chr1:214,652,966, T>C. VCF-style: chr1-214652966-T-C. GRCh37 (hg19) VCF-style: chr1-214826309-T-C.
Identifiers: ClinVar variation 3388732 (VCV003388732.15).